The following is an entry in ClinVar:

NM_001349253.2(SCN11A):c.702A>C (p.Ser234=)

Gene: SCN11A (sodium voltage-gated channel alpha subunit 11; minus strand). Cytogenetic location: 3p22.2.
Variant type: single nucleotide variant.
Coding change: c.702A>C on transcript NM_001349253.2 (MANE Select); coding-DNA position 702, A replaced by C.
Protein change: p.Ser234=; no amino-acid change (serine 234 retained).
Molecular consequence: synonymous variant.
Genome position (GRCh38, 1-based): chr3:38,925,425, T>G on the plus strand (A>C on the coding strand, the complement: SCN11A is on the minus strand). VCF-style: chr3-38925425-T-G. GRCh37 (hg19) VCF-style: chr3-38966916-T-G.
Other names: c.702A>C, p.Ser234= (NM_014139.3).
Identifiers: ClinVar variation 474752 (VCV000474752.12), dbSNP rs774523135, ClinGen allele CA433142241.

ClinVar aggregate classification (germline): Likely benign. Review status: criteria provided, multiple submitters, no conflicts (2 of 4 stars). 4 submissions from 4 submitters: Likely benign (4). Last evaluated 2026-04-07.

Conditions:
SCN11A-related disorder. Also called: SCN11A-related condition.
Inborn genetic diseases. Identifiers: MedGen C0950123, MeSH D030342.
Hereditary sensory and autonomic neuropathy type 7. Also called: HSAN VII; Neuropathy, hereditary sensory and autonomic, type VII. Identifiers: Orphanet 391397, MedGen C3809882, MONDO:0014244, OMIM 615548.
Familial episodic pain syndrome with predominantly lower limb involvement. Also called: Episodic pain syndrome, familial, 3. Identifiers: Orphanet 391384, Orphanet 391392, MedGen C3809899, MONDO:0014247, OMIM 615552.

Allele frequency attached by ClinVar (database versions not stated): TOPMed 0.00003.
gnomAD v4.1: 99 of 1,608,486 alleles (0.0062%); highest among the groups gnomAD compares: Non-Finnish European, 0.0075%; no homozygotes.

Submissions (4):

PreventionGenetics, part of Exact Sciences
Classification: Likely benign for SCN11A-related condition. Last evaluated: 2026-04-07. Review status: criteria provided, single submitter. Criteria: ACMG Guidelines, 2015. Collection method: clinical testing. Allele origin: germline.
Comment: This variant is classified as likely benign based on ACMG/AMP sequence variant interpretation guidelines (Richards et al. 2015 PMID: 25741868, with internal and published modifications).

Labcorp Genetics (formerly Invitae), Labcorp
Classification: Likely benign for Familial episodic pain syndrome with predominantly lower limb involvement; Hereditary sensory and autonomic neuropathy type 7. Last evaluated: 2026-02-01. Review status: criteria provided, single submitter. Criteria: Invitae Variant Classification Sherloc (09022015). Collection method: clinical testing. Allele origin: germline.

Women's Health and Genetics/Laboratory Corporation of America, LabCorp
Classification: Likely benign. Last evaluated: 2025-02-10. Review status: criteria provided, single submitter. Criteria: LabCorp Variant Classification Summary - May 2015. Collection method: clinical testing. Allele origin: germline.

Ambry Genetics
Classification: Likely benign for Inborn genetic diseases. Last evaluated: 2019-07-11. Review status: criteria provided, single submitter. Criteria: Ambry Variant Classification Scheme 2023. Collection method: clinical testing. Allele origin: germline.